The following is an entry in ClinVar:

NM_001458.5(FLNC):c.5044G>C (p.Val1682Leu)

Gene: FLNC (filamin C; plus strand). Cytogenetic location: 7q32.1.
Variant type: single nucleotide variant.
Coding change: c.5044G>C on transcript NM_001458.5 (MANE Select); coding-DNA position 5044, G replaced by C.
Protein change: p.Val1682Leu; replaces valine 1682 with leucine.
Molecular consequence: missense variant.
Genome position (GRCh38, 1-based): chr7:128,849,423, G>C. VCF-style: chr7-128849423-G-C. GRCh37 (hg19) VCF-style: chr7-128489477-G-C.
Other names: c.5044G>C, p.Val1682Leu (NM_001127487.2); short protein forms V1682L.
Identifiers: ClinVar variation 1994717 (VCV001994717.4), dbSNP rs1808712194, ClinGen allele CA369204054.
Genomic context (GRCh38, chr7:128,849,423, plus strand): 5'-CAGGAGACGGTGATCACGGTGGATGCCAAGGCAGCCGGTGAGGGGAAGGTGACATGCACG[G>C]TGTCCACGCCGGATGGGGCAGAGCTCGATGTGGATGTGGTTGAGAACCATGACGGTACCT-3'
Protein context (NP_001449.3, residues 1672-1692): AAGEGKVTCT[Val1682Leu]STPDGAELDV

ClinVar aggregate classification (germline): Uncertain significance (1 of 4 stars; one submission).

Conditions:
Myofibrillar myopathy 5. Also called: FILAMINOPATHY, AUTOSOMAL DOMINANT; Filaminopathy (type). Identifiers: Orphanet 171445, MedGen C1836050, MONDO:0012289, OMIM 609524.
Distal myopathy with posterior leg and anterior hand involvement. Also called: WILLIAMS DISTAL MYOPATHY. Identifiers: Orphanet 63273, MedGen C3279722, MONDO:0013550, OMIM 614065.
Hypertrophic cardiomyopathy 26. Also called: Cardiomyopathy, familial hypertrophic, 26. Identifiers: Orphanet 75249, MedGen C4310749, MONDO:0014883, OMIM 617047.

Submission:

Labcorp Genetics (formerly Invitae), Labcorp
Classification: Uncertain significance for Distal myopathy with posterior leg and anterior hand involvement; Myofibrillar myopathy 5; Hypertrophic cardiomyopathy 26. Last evaluated: 2022-09-07. Review status: criteria provided, single submitter. Criteria: Invitae Variant Classification Sherloc (09022015). Collection method: clinical testing. Allele origin: germline.
Comment: This sequence change replaces valine, which is neutral and non-polar, with leucine, which is neutral and non-polar, at codon 1682 of the FLNC protein (p.Val1682Leu). In summary, the available evidence is currently insufficient to determine the role of this variant in disease. Therefore, it has been classified as a Variant of Uncertain Significance. Algorithms developed to predict the effect of missense changes on protein structure and function are either unavailable or do not agree on the potential impact of this missense change (SIFT: "Tolerated"; PolyPhen-2: "Probably Damaging"; Align-GVGD: "Class C0"). This variant has not been reported in the literature in individuals affected with FLNC-related conditions. This variant is not present in population databases (gnomAD no frequency).